The following is an entry in ClinVar:

ClinVar aggregate classification (germline): Uncertain significance (1 of 4 stars; one submission).

Conditions:
Rubinstein-Taybi syndrome due to CREBBP mutations (RSTS1). Also called: RUBINSTEIN-TAYBI SYNDROME 1, INCOMPLETE; BROAD THUMB-HALLUX SYNDROME; Rubinstein-Taybi syndrome 1; BROAD THUMBS AND GREAT TOES, CHARACTERISTIC FACIES, AND IMPAIRED INTELLECTUAL DEVELOPMENT; RUBINSTEIN SYNDROME; CREBBP-Related Rubinstein-Taybi Syndrome. Identifiers: Orphanet 353277, Orphanet 783, MedGen C4551859, MONDO:0008393, OMIM 180849.

Submission:

3billion
Classification: Uncertain significance for Rubinstein-Taybi syndrome due to CREBBP mutations. Last evaluated: 2022-05-22. Review status: criteria provided, single submitter. Criteria: ACMG Guidelines, 2015. Collection method: clinical testing. Allele origin: germline. Affected: yes. Observed: 1 heterozygote.
Comment: The variant is not observed in the gnomAD v2.1.1 dataset. Missense changes are a common disease-causing mechanism. In silico tool predictions suggest damaging effect of the variant on gene or gene product (REVEL: 0.78; 3Cnet: 0.54). Therefore, this variant is classified as uncertain significanceaccording to the recommendation of ACMG/AMP guideline.

NM_004380.3(CREBBP):c.3907C>T (p.Pro1303Ser)

Gene: CREBBP (CREB binding lysine acetyltransferase; minus strand). Cytogenetic location: 16p13.3.
Variant type: single nucleotide variant.
Coding change: c.3907C>T on transcript NM_004380.3 (MANE Select); coding-DNA position 3907, C replaced by T.
Protein change: p.Pro1303Ser; replaces proline 1303 with serine.
Molecular consequence: missense variant.
Genome position (GRCh38, 1-based): chr16:3,745,284, G>A on the plus strand (C>T on the coding strand, the complement: CREBBP is on the minus strand). VCF-style: chr16-3745284-G-A. GRCh37 (hg19) VCF-style: chr16-3795285-G-A.
Other names: c.3793C>T, p.Pro1265Ser (NM_001079846.1); short protein forms P1265S, P1303S.
Identifiers: ClinVar variation 1687581 (VCV001687581.1), dbSNP rs2151355349, ClinGen allele CA394566726.